The following is an entry in ClinVar:

NM_021930.6(RINT1):c.442A>G (p.Met148Val)

Gene: RINT1 (RAD50 interactor 1; plus strand). Cytogenetic location: 7q22.3.
Variant type: single nucleotide variant.
Coding change: c.442A>G on transcript NM_021930.6 (MANE Select); coding-DNA position 442, A replaced by G.
Protein change: p.Met148Val; replaces methionine 148 with valine.
Molecular consequence: missense variant. On other transcripts: 5 prime UTR variant (3), non-coding transcript variant (1).
Genome position (GRCh38, 1-based): chr7:105,542,576, A>G. VCF-style: chr7-105542576-A-G. GRCh37 (hg19) VCF-style: chr7-105183023-A-G.
Other names: c.208A>G, p.Met70Val (NM_001346599.2); c.-578A>G (NM_001346600.2); c.-481A>G (NM_001346601.2); c.-101A>G (NM_001346603.2); short protein forms M148V, M70V.
Identifiers: ClinVar variation 1319654 (VCV001319654.5), dbSNP rs1790502878, ClinGen allele CA368803672.

ClinVar aggregate classification (germline): Uncertain significance. Review status: criteria provided, multiple submitters, no conflicts (2 of 4 stars). 2 submissions from 2 submitters: Uncertain significance (2). Last evaluated 2022-04-30.

Allele frequency attached by ClinVar (database versions not stated): gnomAD exomes below 0.00001.

Submissions (2):

Ambry Genetics
Classification: Uncertain significance. Last evaluated: 2022-04-30. Review status: criteria provided, single submitter. Criteria: Ambry Variant Classification Scheme 2023. Collection method: clinical testing. Allele origin: germline.
Comment: The p.M148V variant (also known as c.442A>G), located in coding exon 4 of the RINT1 gene, results from an A to G substitution at nucleotide position 442. The methionine at codon 148 is replaced by valine, an amino acid with highly similar properties. This amino acid position is conserved. In addition, this alteration is predicted to be tolerated by in silico analysis. Since supporting evidence is limited at this time, the clinical significance of this alteration remains unclear.

Institute for Clinical Genetics, University Hospital TU Dresden, University Hospital TU Dresden
Classification: Uncertain significance. Last evaluated: 2021-11-03. Review status: criteria provided, single submitter. Criteria: ACMG Guidelines, 2015. Collection method: clinical testing. Allele origin: germline.